The following is an entry in ClinVar:

NM_000059.4(BRCA2):c.3121A>G (p.Ser1041Gly)

Gene: BRCA2 (BRCA2 DNA repair associated; plus strand). Cytogenetic location: 13q13.1.
Variant type: single nucleotide variant.
Coding change: c.3121A>G on transcript NM_000059.4 (MANE Select); coding-DNA position 3121, A replaced by G.
Protein change: p.Ser1041Gly; replaces serine 1041 with glycine.
Molecular consequence: missense variant.
Genome position (GRCh38, 1-based): chr13:32,337,476, A>G. VCF-style: chr13-32337476-A-G. GRCh37 (hg19) VCF-style: chr13-32911613-A-G.
Other names: short protein forms S1041G.
Identifiers: ClinVar variation 230035 (VCV000230035.14), dbSNP rs876658343, ClinGen allele CA10579565.
Genomic context (GRCh38, chr13:32,337,476, plus strand): 5'-GAACATAACATTAAGAAGAGCAAAATGTTCTTCAAAGATATTGAAGAACAATATCCTACT[A>G]GTTTAGCTTGTGTTGAAATTGTAAATACCTTGGCATTAGATAATCAAAAGAAACTGAGCA-3'
Protein context (NP_000050.3, residues 1031-1051): FKDIEEQYPT[Ser1041Gly]LACVEIVNTL

ClinVar aggregate classification (germline): Conflicting classifications of pathogenicity. Review status: criteria provided, conflicting classifications (1 of 4 stars). 3 submissions from 3 submitters: Uncertain significance (2); Likely benign (1). Last evaluated 2024-09-18.

Conditions:
Hereditary cancer-predisposing syndrome. Also called: Hereditary neoplastic syndrome; Hereditary Cancer Syndrome; Neoplastic Syndromes, Hereditary; Tumor predisposition. Identifiers: Orphanet 140162, MedGen C0027672, MeSH D009386, MONDO:0015356.
Hereditary breast ovarian cancer syndrome. Also called: Hereditary breast and ovarian cancer syndrome; Hereditary breast and ovarian cancer syndrome (HBOC); Breast and ovarian cancer; Hereditary breast and/or ovarian cancer syndrome; Hereditary breast and ovarian cancer; BRCA1- and BRCA2-Associated Hereditary Breast and Ovarian Cancer. Identifiers: Orphanet 145, MedGen C0677776, MeSH D061325, MONDO:0003582. Disease mechanism: loss of function.

Submissions (3):

Labcorp Genetics (formerly Invitae), Labcorp
Classification: Uncertain significance for Hereditary breast ovarian cancer syndrome. Last evaluated: 2024-09-18. Review status: criteria provided, single submitter. Criteria: Invitae Variant Classification Sherloc (09022015). Collection method: clinical testing. Allele origin: germline.
Comment: This sequence change replaces serine, which is neutral and polar, with glycine, which is neutral and non-polar, at codon 1041 of the BRCA2 protein (p.Ser1041Gly). This variant is not present in population databases (gnomAD no frequency). This variant has not been reported in the literature in individuals affected with BRCA2-related conditions. ClinVar contains an entry for this variant (Variation ID: 230035). Invitae Evidence Modeling of protein sequence and biophysical properties (such as structural, functional, and spatial information, amino acid conservation, physicochemical variation, residue mobility, and thermodynamic stability) indicates that this missense variant is not expected to disrupt BRCA2 protein function with a negative predictive value of 95%. In summary, the available evidence is currently insufficient to determine the role of this variant in disease. Therefore, it has been classified as a Variant of Uncertain Significance.

University of Washington Department of Laboratory Medicine, University of Washington
Classification: Likely benign for Hereditary cancer-predisposing syndrome. Last evaluated: 2023-03-23. Review status: criteria provided, single submitter. Criteria: Dines et al. (Genet Med. 2020). Collection method: curation. Allele origin: germline.
Comment: Missense variant in a coldspot region where missense variants are very unlikely to be pathogenic (PMID:31911673).

BRCA2 exon 11 coldspot. Reclassification based on statistical prior probability.

Ambry Genetics
Classification: Uncertain significance for Hereditary cancer-predisposing syndrome. Last evaluated: 2015-01-08. Review status: criteria provided, single submitter. Criteria: Ambry Variant Classification Scheme 2023. Collection method: clinical testing. Allele origin: germline.
Comment: The p.S1041G variant (also known as c.3121A>G or 3349A>G), located in coding exon 10 of the BRCA2 gene, results from an A to G substitution at nucleotide position 3121. The serine at codon 1041 is replaced by glycine, an amino acid with similar properties. This variant was not reported in population based cohorts in the following databases: Database of Single Nucleotide Polymorphisms (dbSNP), NHLBI Exome Sequencing Project (ESP), and 1000 Genomes Project. In the ESP, this variant was not observed in 6499 samples (12998 alleles) with coverage at this position. To date, this alteration has been detected with an allele frequency of approximately 0.001% (greater than 105,000 alleles tested) in our clinical cohort. Based on protein sequence alignment, this amino acid position is not well conserved in available vertebrate species. In addition, this alteration is predicted to be tolerated by in silico analysis. Since supporting evidence is limited at this time, the clinical significance of p.S1041G remains unclear.